The following is an entry in ClinVar:

ClinVar aggregate classification (germline): Pathogenic/Likely pathogenic. Review status: criteria provided, multiple submitters, no conflicts (2 of 4 stars). 2 submissions from 2 submitters: Pathogenic (1); Likely pathogenic (1). Last evaluated 2025-09-24.

Conditions:
Medium-chain acyl-coenzyme A dehydrogenase deficiency (ACADMD). Also called: ACADM DEFICIENCY; CARNITINE DEFICIENCY SECONDARY TO MEDIUM-CHAIN ACYL-CoA DEHYDROGENASE DEFICIENCY; MCADH DEFICIENCY; MCADD; Medium chain acyl-CoA dehydrogenase deficiency; MCAD Deficiency. Identifiers: Orphanet 42, MedGen C0220710, MONDO:0008721, OMIM 201450.

Submissions (2):

Natera, Inc.
Classification: Likely pathogenic for Medium Chain Acyl-CoA Dehydrogenase Deficiency. Last evaluated: 2025-09-24. Review status: criteria provided, single submitter. Criteria: Natera Variant Classification Schema (03/2026). Collection method: clinical testing. Allele origin: germline.
Comment: The c.139G>T variant in ACADM is a nonsense variant predicted to introduce a stop codon at amino acid 47. This variant is expected to result in nonsense mediated decay, truncation, or a dysfunctional protein product. This variant is rare in the general population with a frequency below the threshold expected for the associated phenotype(s). Given the available evidence, this variant is classified as Likely Pathogenic.

Myriad Genetics, Inc.
Classification: Pathogenic for Medium-chain acyl-coenzyme A dehydrogenase deficiency. Last evaluated: 2025-06-15. Review status: criteria provided, single submitter. Criteria: Myriad Autosomal Dominant, Autosomal Recessive and X-Linked Classification Criteria (2023). Collection method: clinical testing. Allele origin: unknown.
Comment: NM_000016.4(ACADM):c.139G>T(E47*) is expected to be pathogenic in the context of medium-chain acyl-CoA dehydrogenase deficiency. This variant is predicted to lead to an abnormal or absent protein product due to the creation of a premature termination codon in ACADM, a gene where loss-of-function variants are known to be pathogenic. Please note: this variant was assessed in the context of healthy population screening.

NM_000016.6(ACADM):c.139G>T (p.Glu47Ter)

Gene: ACADM (acyl-CoA dehydrogenase medium chain; plus strand). Cytogenetic location: 1p31.1.
Variant type: single nucleotide variant.
Coding change: c.139G>T on transcript NM_000016.6 (MANE Select); coding-DNA position 139, G replaced by T.
Protein change: p.Glu47Ter; replaces glutamic acid 47 with a stop codon.
Molecular consequence: nonsense. On other transcripts: 5 prime UTR variant (1).
Genome position (GRCh38, 1-based): chr1:75,732,664, G>T. VCF-style: chr1-75732664-G-T. GRCh37 (hg19) VCF-style: chr1-76198349-G-T.
Other names: c.151G>T, p.Glu51Ter (NM_001127328.3); c.31G>T, p.Glu11Ter (NM_001286042.2); c.139G>T, p.Glu47Ter (NM_001286043.2); c.-247G>T (NM_001286044.2); short protein forms E11*, E47*, E51*.
Identifiers: ClinVar variation 4817763 (VCV004817763.2).